The following is an entry in ClinVar:

NM_004625.4(WNT7A):c.491A>G (p.Lys164Arg)

Genes: WNT7A (Wnt family member 7A; minus strand), LOC126806608 (P300/CBP strongly-dependent group 1 enhancer GRCh37_chr3:13895244-13896443; plus strand). Cytogenetic location: 3p25.1.
Variant type: single nucleotide variant.
Coding change: c.491A>G on transcript NM_004625.4 (MANE Select); coding-DNA position 491, A replaced by G.
Protein change: p.Lys164Arg; replaces lysine 164 with arginine.
Molecular consequence: missense variant.
Genome position (GRCh38, 1-based): chr3:13,854,611, T>C on the plus strand (A>G on the coding strand, the complement: WNT7A is on the minus strand). VCF-style: chr3-13854611-T-C. GRCh37 (hg19) VCF-style: chr3-13896108-T-C.
Other names: short protein forms K164R.
Identifiers: ClinVar variation 3776686 (VCV003776686.1).
Genomic context (GRCh38, chr3:13,854,611, plus strand): 5'-TTGTGCAAGTTCATGAGAGTCCGGGCATTCTGCTTGATCTCCCGGGCATCCACAAAGACC[T>C]TGGCGAAGCCGATGCCGTAGCGGATGTCGGCAGAGCAGCCACCCCACTTCCAGCCCTCGT-3'
Protein context (NP_004616.2, residues 154-174): ADIRYGIGFA[Lys164Arg]VFVDAREIKQ

ClinVar aggregate classification (germline): Uncertain significance (1 of 4 stars; one submission).

gnomAD v4.1: 66 of 1,614,192 alleles (0.0041%); highest among the groups gnomAD compares: African/African-American, 0.061%; no homozygotes.

Submission:

GeneDx
Classification: Uncertain significance. Last evaluated: 2024-10-03. Review status: criteria provided, single submitter. Criteria: GeneDx Variant Classification Process June 2021. Collection method: clinical testing. Allele origin: germline. Affected: yes.
Comment: In silico analysis indicates that this missense variant does not alter protein structure/function; Has not been previously published as pathogenic or benign to our knowledge